The following is an entry in ClinVar:

ClinVar aggregate classification (germline): Likely benign. Review status: criteria provided, single submitter (1 of 4 stars). 2 submissions from 2 submitters: Likely benign (1). 1 of the submissions does not count toward it. Last evaluated 2025-09-10.

Conditions:
PGAM2-related disorder. Also called: PGAM2-related condition.
Glycogen storage disease type X (GSD10). Also called: GSD X; MYOPATHY DUE TO PHOSPHOGLYCERATE MUTASE DEFICIENCY; PGAMM DEFICIENCY; PHOSPHOGLYCERATE MUTASE, MUSCLE, DEFICIENCY OF; Dimauro disease; Glycogen storage disease due to phosphoglycerate mutase deficiency. Identifiers: Orphanet 97234, MedGen C0268149, MONDO:0009865, OMIM 261670.

gnomAD v4.1: 38 of 1,613,886 alleles (0.0024%); highest among the groups gnomAD compares: South Asian, 0.0077%; no homozygotes.

Submissions (2):

Labcorp Genetics (formerly Invitae), Labcorp
Classification: Likely benign for Glycogen storage disease type X. Last evaluated: 2025-09-10. Review status: criteria provided, single submitter. Criteria: Invitae Variant Classification Sherloc (09022015). Collection method: clinical testing. Allele origin: germline.

PreventionGenetics, part of Exact Sciences
Classification: Likely benign for PGAM2-related condition. Last evaluated: 2024-03-23. Review status: no assertion criteria provided. Collection method: clinical testing. Allele origin: germline. Not counted in ClinVar's aggregate classification.
Comment: This variant is classified as likely benign based on ACMG/AMP sequence variant interpretation guidelines (Richards et al. 2015 PMID: 25741868, with internal and published modifications).

NM_000290.4(PGAM2):c.357C>T (p.Phe119=)

Genes: DBNL (drebrin like; plus strand), PGAM2 (phosphoglycerate mutase 2; minus strand), LOC129998342 (ATAC-STARR-seq lymphoblastoid active region 25925; plus strand). Cytogenetic location: 7p13.
Variant type: single nucleotide variant.
Coding change: c.357C>T on transcript NM_000290.4 (MANE Select); coding-DNA position 357, C replaced by T.
Protein change: p.Phe119=; no amino-acid change (phenylalanine 119 retained).
Molecular consequence: synonymous variant. On other transcripts: 3 prime UTR variant (6).
Genome position (GRCh38, 1-based): chr7:44,065,173, G>A on the plus strand (C>T on the coding strand, the complement: PGAM2 is on the minus strand). VCF-style: chr7-44065173-G-A. GRCh37 (hg19) VCF-style: chr7-44104772-G-A.
Other names: c.*4257G>A (NM_001014436.3, NM_001122956.2, NM_001284313.2 and 3 more transcripts).
Identifiers: ClinVar variation 3351694 (VCV003351694.2).